The following is an entry in ClinVar:

NM_000135.4(FANCA):c.839C>T (p.Ala280Val)

Gene: FANCA (FA complementation group A; minus strand). Cytogenetic location: 16q24.3.
Variant type: single nucleotide variant.
Coding change: c.839C>T on transcript NM_000135.4 (MANE Select); coding-DNA position 839, C replaced by T.
Protein change: p.Ala280Val; replaces alanine 280 with valine.
Molecular consequence: missense variant.
Genome position (GRCh38, 1-based): chr16:89,799,220, G>A on the plus strand (C>T on the coding strand, the complement: FANCA is on the minus strand). VCF-style: chr16-89799220-G-A. GRCh37 (hg19) VCF-style: chr16-89865628-G-A.
Other names: c.839C>T (LRG_495t1, NM_000135.3); c.839C>T, p.Ala280Val (NM_001018112.3, NM_001286167.3); c.743C>T, p.Ala248Val (NM_001351830.2); short protein forms A280V, A248V.
Identifiers: ClinVar variation 557556 (VCV000557556.12), dbSNP rs767092317, ClinGen allele CA8252723.
Genomic context (GRCh38, chr16:89,799,220, plus strand): 5'-ACATACCAGCACCTCACGATCTTGTGAGTGGAGGACTCCTCCTGTACTCCAGCAGCCAAA[G>A]CGTCAAGTGCAACTGAAGACAGAGCCAGGAACAGAAAACAGATGTCAGCACACGGCGGCA-3'
Protein context (NP_000126.2, residues 270-290): LQRMLIFALD[Ala280Val]LAAGVQEESS

ClinVar aggregate classification (germline): Uncertain significance. Review status: criteria provided, multiple submitters, no conflicts (2 of 4 stars). 4 submissions from 4 submitters: Uncertain significance (2). 2 of the submissions do not count toward it. Last evaluated 2023-04-21.

Conditions:
Fanconi anemia (FA). Also called: Fanconi's anemia. Identifiers: Orphanet 84, MedGen C0015625, MeSH D005199, MONDO:0019391.
Fanconi anemia complementation group A (FANCA). Also called: Fanconi anemia, group A; FANCA-Related Fanconi Anemia. Identifiers: Orphanet 84, MedGen C3469521, MONDO:0009215, OMIM 227650.

Allele frequency attached by ClinVar (database versions not stated): gnomAD exomes below 0.00001 and 0.00001; TOPMed below 0.00001; gnomAD 0.00001; ExAC 0.00002.
gnomAD v4.1: 8 of 1,613,938 alleles (0.0005%); highest among the groups gnomAD compares: South Asian, 0.0033%; no homozygotes.

Submissions (4):

Quest Diagnostics Nichols Institute San Juan Capistrano
Classification: Uncertain significance. Last evaluated: 2023-04-21. Review status: criteria provided, single submitter. Criteria: Quest Diagnostics criteria. Collection method: clinical testing. Allele origin: unknown.
Comment: In the published literature, the variant has been reported in an individual with head and neck squamous cell carcinoma (PMID: 28678401 (2017)) and an individual with ovarian cancer (PMID: 32546565 (2021)). The frequency of this variant in the general population, 0.000008 (2/250206 chromosomes), is uninformative in assessment of its pathogenicity. Analysis of this variant using bioinformatics tools for the prediction of the effect of amino acid changes on protein structure and function yielded conflicting predictions that this variant is benign or damaging. Based on the available information, we are unable to determine the clinical significance of this variant.

Labcorp Genetics (formerly Invitae), Labcorp
Classification: Uncertain significance for Fanconi anemia. Last evaluated: 2022-07-09. Review status: criteria provided, single submitter. Criteria: Invitae Variant Classification Sherloc (09022015). Collection method: clinical testing. Allele origin: germline.
Comment: This sequence change replaces alanine, which is neutral and non-polar, with valine, which is neutral and non-polar, at codon 280 of the FANCA protein (p.Ala280Val). This variant is present in population databases (rs767092317, gnomAD 0.007%). This missense change has been observed in individual(s) with head and neck squamous cell carcinoma (PMID: 28678401). ClinVar contains an entry for this variant (Variation ID: 557556). Advanced modeling of protein sequence and biophysical properties (such as structural, functional, and spatial information, amino acid conservation, physicochemical variation, residue mobility, and thermodynamic stability) performed at Invitae indicates that this missense variant is not expected to disrupt FANCA protein function. In summary, the available evidence is currently insufficient to determine the role of this variant in disease. Therefore, it has been classified as a Variant of Uncertain Significance.

Natera, Inc.
Classification: Uncertain significance for Fanconi anemia. Last evaluated: 2020-07-13. Review status: no assertion criteria provided. Collection method: clinical testing. Allele origin: germline. Not counted in ClinVar's aggregate classification.

Counsyl
Classification: Uncertain significance for Fanconi anemia complementation group A. Last evaluated: 2018-03-29. Review status: no assertion criteria provided. Collection method: clinical testing. Allele origin: unknown. Not counted in ClinVar's aggregate classification.

Literature cited by the submitters: PubMed 28678401 (cited by Quest Diagnostics Nichols Institute San Juan Capistrano and Labcorp Genetics (formerly Invitae), Labcorp); PubMed 32546565 (cited by Quest Diagnostics Nichols Institute San Juan Capistrano).